The following is an entry in ClinVar:

ClinVar aggregate classification (germline): Uncertain significance (1 of 4 stars; one submission).

Conditions:
Hereditary spastic paraplegia 8 (SPG8). Also called: SPASTIC PARAPLEGIA 8, AUTOSOMAL DOMINANT. Identifiers: Orphanet 100989, MedGen C1863704, MONDO:0011339, OMIM 603563.
Ritscher-Schinzel syndrome. Also called: CRANIOCEREBELLOCARDIAC DYSPLASIA. Identifiers: Orphanet 7, MedGen C0796137, MONDO:0019078.

Submission:

Labcorp Genetics (formerly Invitae), Labcorp
Classification: Uncertain significance for Ritscher-Schinzel syndrome; Hereditary spastic paraplegia 8. Last evaluated: 2022-12-10. Review status: criteria provided, single submitter. Criteria: Invitae Variant Classification Sherloc (09022015). Collection method: clinical testing. Allele origin: germline.
Comment: In summary, the available evidence is currently insufficient to determine the role of this variant in disease. Therefore, it has been classified as a Variant of Uncertain Significance. Algorithms developed to predict the effect of sequence changes on RNA splicing suggest that this variant may create or strengthen a splice site. Advanced modeling of protein sequence and biophysical properties (such as structural, functional, and spatial information, amino acid conservation, physicochemical variation, residue mobility, and thermodynamic stability) performed at Invitae indicates that this missense variant is expected to disrupt WASHC5 protein function. This variant has not been reported in the literature in individuals affected with WASHC5-related conditions. This variant is not present in population databases (gnomAD no frequency). This sequence change replaces alanine, which is neutral and non-polar, with serine, which is neutral and polar, at codon 98 of the WASHC5 protein (p.Ala98Ser).

NM_014846.4(WASHC5):c.292G>T (p.Ala98Ser)

Gene: WASHC5 (WASH complex subunit 5; minus strand). Cytogenetic location: 8q24.13.
Variant type: single nucleotide variant.
Coding change: c.292G>T on transcript NM_014846.4 (MANE Select); coding-DNA position 292, G replaced by T.
Protein change: p.Ala98Ser; replaces alanine 98 with serine.
Molecular consequence: missense variant. On other transcripts: 5 prime UTR variant (1).
Genome position (GRCh38, 1-based): chr8:125,083,153, C>A on the plus strand (G>T on the coding strand, the complement: WASHC5 is on the minus strand). VCF-style: chr8-125083153-C-A. GRCh37 (hg19) VCF-style: chr8-126095395-C-A.
Other names: c.-153G>T (NM_001330609.2); short protein forms A98S.
Identifiers: ClinVar variation 2936468 (VCV002936468.3), dbSNP rs1026657464, ClinGen allele CA372267843.